The following is an entry in ClinVar:

ClinVar aggregate classification (germline): Uncertain significance (1 of 4 stars; one submission).

Conditions:
Familial thoracic aortic aneurysm and aortic dissection (TAAD). Also called: Thoracic aortic aneurysms and dissections. Identifiers: Orphanet 91387, MedGen C4707243, MONDO:0019625.
Hereditary cancer-predisposing syndrome. Also called: Neoplastic Syndromes, Hereditary; Tumor predisposition; Hereditary neoplastic syndrome; Hereditary Cancer Syndrome. Identifiers: Orphanet 140162, MedGen C0027672, MeSH D009386, MONDO:0015356.

Submission:

Ambry Genetics
Classification: Uncertain significance for Hereditary cancer-predisposing syndrome; Familial thoracic aortic aneurysm and aortic dissection. Last evaluated: 2025-09-29. Review status: criteria provided, single submitter. Criteria: Ambry Variant Classification Scheme 2023. Collection method: clinical testing. Allele origin: germline.
Comment: The p.L201S variant (also known as c.602T>C), located in coding exon 4 of the SMAD4 gene, results from a T to C substitution at nucleotide position 602. The leucine at codon 201 is replaced by serine, an amino acid with dissimilar properties. This amino acid position is highly conserved in available vertebrate species. In addition, this alteration is predicted to be deleterious by in silico analysis. Since supporting evidence is limited at this time, the clinical significance of this alteration remains unclear.

NM_005359.6(SMAD4):c.602T>C (p.Leu201Ser)

Gene: SMAD4 (SMAD family member 4; plus strand). Cytogenetic location: 18q21.2.
Variant type: single nucleotide variant.
Coding change: c.602T>C on transcript NM_005359.6 (MANE Select); coding-DNA position 602, T replaced by C.
Protein change: p.Leu201Ser; replaces leucine 201 with serine.
Molecular consequence: missense variant.
Genome position (GRCh38, 1-based): chr18:51,054,928, T>C. VCF-style: chr18-51054928-T-C. GRCh37 (hg19) VCF-style: chr18-48581298-T-C.
Other names: short protein forms L201S.
Identifiers: ClinVar variation 826145 (VCV000826145.5), dbSNP rs1599186995, ClinGen allele CA402461125.